The following is an entry in ClinVar:

NM_001137601.3(ZBTB42):c.1088C>G (p.Thr363Arg)

Gene: ZBTB42 (zinc finger and BTB domain containing 42; plus strand). Cytogenetic location: 14q32.33.
Variant type: single nucleotide variant.
Coding change: c.1088C>G on transcript NM_001137601.3 (MANE Select); coding-DNA position 1088, C replaced by G.
Protein change: p.Thr363Arg; replaces threonine 363 with arginine.
Molecular consequence: missense variant.
Genome position (GRCh38, 1-based): chr14:104,802,285, C>G. VCF-style: chr14-104802285-C-G. GRCh37 (hg19) VCF-style: chr14-105268622-C-G.
Other names: c.1088C>G, p.Thr363Arg (NM_001370342.1); short protein forms T363R.
Identifiers: ClinVar variation 1031875 (VCV001031875.2), dbSNP rs577534064, ClinGen allele CA7375048.

ClinVar aggregate classification (germline): Uncertain significance. Review status: criteria provided, multiple submitters, no conflicts (2 of 4 stars). 2 submissions from 2 submitters: Uncertain significance (2). Last evaluated 2023-12-20.

Conditions:
Lethal congenital contracture syndrome 6 (LCCS6). Identifiers: MedGen C4015686, MONDO:0014549, OMIM 616248.

Allele frequency attached by ClinVar (database versions not stated): TOPMed 0.00032; 1000 Genomes Project 0.00060; 1000 Genomes Project 30x 0.00062.
gnomAD v4.1: 90 of 1,550,428 alleles (0.0058%); highest among the groups gnomAD compares: African/African-American, 0.12%; no homozygotes.

Submissions (2):

Ambry Genetics
Classification: Uncertain significance. Last evaluated: 2023-12-20. Review status: criteria provided, single submitter. Criteria: Ambry Variant Classification Scheme 2023. Collection method: clinical testing. Allele origin: germline.

Baylor Genetics
Classification: Uncertain significance for Lethal congenital contracture syndrome 6. Last evaluated: 2018-03-02. Review status: criteria provided, single submitter. Criteria: ACMG Guidelines, 2015. Collection method: clinical testing. Allele origin: paternal. Affected: yes.
Comment: This variant was determined to be of uncertain significance according to ACMG Guidelines, 2015 [PMID:25741868].